The following is an entry in ClinVar:

ClinVar aggregate classification (germline): Benign/Likely benign. Review status: criteria provided, multiple submitters, no conflicts (2 of 4 stars). 16 submissions from 11 submitters: Benign (4); Likely benign (12). Last evaluated 2026-07-01.

Conditions:
Inborn genetic diseases. Identifiers: MedGen C0950123, MeSH D030342.
Hereditary cryohydrocytosis with reduced stomatin. Also called: Stomatin-deficient cryohydrocytosis with neurologic defects; GLUT1 DEFICIENCY SYNDROME WITH PSEUDOHYPERKALEMIA AND HEMOLYSIS. Identifiers: Orphanet 168577, MedGen C1837206, MONDO:0012143, OMIM 608885.
Dystonia 9 (DYT9). Also called: CHOREOATHETOSIS, KINESIGENIC, WITH EPISODIC ATAXIA AND SPASTICITY. Identifiers: Orphanet 53583, MedGen C1832855, MONDO:0010983, OMIM 601042.
Epilepsy, idiopathic generalized, susceptibility to, 12 (EIG12). Identifiers: MedGen C3553859, MONDO:0013919, OMIM 614847.
Encephalopathy due to GLUT1 deficiency. Also called: Classic Glucose Transporter Type 1 Deficiency Syndrome; GLUCOSE TRANSPORT DEFECT, BLOOD-BRAIN BARRIER; Glucose transporter protein syndrome; De Vivo disease; GLUT1 deficiency syndrome 1; GLUT1 deficiency syndrome 1, infantile onset, severe. Identifiers: Orphanet 71277, MedGen C4551966, MONDO:0011724, OMIM 606777.
GLUT1 deficiency syndrome 1, autosomal recessive. Identifiers: MedGen C3149117.
Childhood onset GLUT1 deficiency syndrome 2. Also called: PxMD-SLC2A1; Exertion-induced paroxysmal dyskinesia; PAROXYSMAL EXERCISE-INDUCED DYSKINESIA WITH OR WITHOUT EPILEPSY AND/OR HEMOLYTIC ANEMIA; PAROXYSMAL EXERTION-INDUCED DYSTONIA WITH OR WITHOUT EPILEPSY AND/OR HEMOLYTIC ANEMIA; PED WITH OR WITHOUT EPILEPSY AND/OR HEMOLYTIC ANEMIA; Paroxysmal exercise-induced dystonia. Identifiers: Orphanet 98811, MedGen C1842534, MONDO:0012805, OMIM 612126.

Allele frequency attached by ClinVar (database versions not stated): ExAC 0.00054; gnomAD exomes 0.00056; 1000 Genomes Project 0.00060; gnomAD 0.00063 and 0.00065; TOPMed 0.00067; 1000 Genomes Project 30x 0.00078; ESP Exome Variant Server 0.00115.
gnomAD v4.1: 1,199 of 1,614,140 alleles (0.074%); highest among the groups gnomAD compares: Admixed American, 0.095%; 1 homozygote.

Submissions (16):

CeGaT Center for Human Genetics Tuebingen
Classification: Likely benign. Last evaluated: 2026-07-01. Review status: criteria provided, single submitter. Criteria: CeGaT Center For Human Genetics Tuebingen Variant Classification Criteria Version 2. Collection method: clinical testing. Allele origin: germline. Affected: yes. Observed: 24 variant alleles.
Comment: SLC2A1: BP4, BP7

Labcorp Genetics (formerly Invitae), Labcorp
Classification: Likely benign for GLUT1 deficiency syndrome 1, autosomal recessive. Last evaluated: 2026-01-19. Review status: criteria provided, single submitter. Criteria: Invitae Variant Classification Sherloc (09022015). Collection method: clinical testing. Allele origin: germline.

Laboratory of Genetics, Children's Clinical University Hospital Latvia
Classification: Likely benign. Last evaluated: 2025-02-16. Review status: criteria provided, single submitter. Criteria: ACMG Guidelines, 2015. Collection method: clinical testing. Allele origin: germline. Affected: yes.

Blueprint Genetics
Classification: Likely benign. Last evaluated: 2024-10-08. Review status: criteria provided, single submitter. Criteria: ACMG Guidelines, 2015. Collection method: clinical testing. Allele origin: germline.

Genome-Nilou Lab
Classification: Likely benign for Epilepsy, idiopathic generalized, susceptibility to, 12. Last evaluated: 2023-04-11. Review status: criteria provided, single submitter. Criteria: ACMG Guidelines, 2015. Collection method: clinical testing. Allele origin: germline. Affected: no.

Genome-Nilou Lab
Classification: Likely benign for Dystonia 9. Last evaluated: 2023-04-11. Review status: criteria provided, single submitter. Criteria: ACMG Guidelines, 2015. Collection method: clinical testing. Allele origin: germline. Affected: no.

Genome-Nilou Lab
Classification: Likely benign for Encephalopathy due to GLUT1 deficiency. Last evaluated: 2023-04-11. Review status: criteria provided, single submitter. Criteria: ACMG Guidelines, 2015. Collection method: clinical testing. Allele origin: germline. Affected: no.

Genome-Nilou Lab
Classification: Likely benign for Childhood onset GLUT1 deficiency syndrome 2. Last evaluated: 2023-04-11. Review status: criteria provided, single submitter. Criteria: ACMG Guidelines, 2015. Collection method: clinical testing. Allele origin: germline. Affected: no.

Genome-Nilou Lab
Classification: Likely benign for Hereditary cryohydrocytosis with reduced stomatin. Last evaluated: 2023-04-11. Review status: criteria provided, single submitter. Criteria: ACMG Guidelines, 2015. Collection method: clinical testing. Allele origin: germline. Affected: no.

Genetic Services Laboratory, University of Chicago
Classification: Likely benign. Last evaluated: 2019-01-31. Review status: criteria provided, single submitter. Criteria: ACMG Guidelines, 2015. Collection method: clinical testing. Allele origin: germline. Affected: no.

Illumina Laboratory Services, Illumina
Classification: Benign for Dystonia 9. Last evaluated: 2018-01-12. Review status: criteria provided, single submitter. Criteria: ICSL Variant Classification Criteria 13 December 2019. Collection method: clinical testing. Allele origin: germline.
Comment: This variant was observed in the ICSL laboratory as part of a predisposition screen in an ostensibly healthy population. It had not been previously curated by ICSL or reported in the Human Gene Mutation Database (HGMD: prior to June 1st, 2018), and was therefore a candidate for classification through an automated scoring system. Utilizing variant allele frequency, disease prevalence and penetrance estimates, and inheritance mode, an automated score was calculated to assess if this variant is too frequent to cause the disease. Based on the score and internal cut-off values, a variant classified as benign is not then subjected to further curation. The score for this variant resulted in a classification of benign for this disease.

Illumina Laboratory Services, Illumina
Classification: Benign for Encephalopathy due to GLUT1 deficiency. Last evaluated: 2018-01-12. Review status: criteria provided, single submitter. Criteria: ICSL Variant Classification Criteria 13 December 2019. Collection method: clinical testing. Allele origin: germline.
Comment: the same text as in the submission from Illumina Laboratory Services, Illumina above.

Ambry Genetics
Classification: Likely benign for Inborn genetic diseases. Last evaluated: 2017-06-21. Review status: criteria provided, single submitter. Criteria: Ambry Variant Classification Scheme 2023. Collection method: clinical testing. Allele origin: germline.

Athena Diagnostics
Classification: Benign. Last evaluated: 2016-12-21. Review status: criteria provided, single submitter. Criteria: Athena Diagnostics Criteria. Collection method: clinical testing. Allele origin: germline.

Eurofins Ntd Llc (ga)
Classification: Likely benign. Last evaluated: 2016-01-26. Review status: criteria provided, single submitter. Criteria: EGL Classification Definitions 2015. Collection method: clinical testing. Allele origin: germline. Observed: 3 variant alleles, 3 heterozygotes.

GeneDx
Classification: Benign. Last evaluated: 2014-04-16. Review status: criteria provided, single submitter. Criteria: GeneDx Variant Classification (06012015). Collection method: clinical testing. Allele origin: germline. Affected: yes.
Comment: This variant is considered likely benign or benign based on one or more of the following criteria: it is a conservative change, it occurs at a poorly conserved position in the protein, it is predicted to be benign by multiple in silico algorithms, and/or has population frequency not consistent with disease.

Literature cited by the submitters: PubMed 25914049 (cited by Athena Diagnostics).

NM_006516.4(SLC2A1):c.1437C>T (p.Pro479=)

Gene: SLC2A1 (solute carrier family 2 member 1; minus strand). Cytogenetic location: 1p34.2.
Variant type: single nucleotide variant.
Coding change: c.1437C>T on transcript NM_006516.4 (MANE Select); coding-DNA position 1437, C replaced by T.
Protein change: p.Pro479=; no amino-acid change (proline 479 retained).
Molecular consequence: synonymous variant.
Genome position (GRCh38, 1-based): chr1:42,927,083, G>A on the plus strand (C>T on the coding strand, the complement: SLC2A1 is on the minus strand). VCF-style: chr1-42927083-G-A. GRCh37 (hg19) VCF-style: chr1-43392754-G-A.
Other names: p.P479P:CCC>CCT.
Identifiers: ClinVar variation 139168 (VCV000139168.71), dbSNP rs146879902, ClinGen allele CA019077.
Genomic context (GRCh38, chr1:42,927,083, plus strand): 5'-CTGGTGATCTGGGGCGACTCACACTTGGGAATCAGCCCCCAGGGGATGGAACAGCTCCTC[G>A]GGTGTCTTGTCACTTTGGCTGGCTCCCCCCTGCCGGAAGCCGGAAGCGATCTCATCGAAG-3'
Protein context (NP_006507.2, residues 469-489): QGGASQSDKT[Pro479=]EELFHPLGAD